The following is an entry in ClinVar:

Conditions:
Long QT syndrome 5 (LQT5). Identifiers: Orphanet 101016, Orphanet 768, MedGen C1867904, MONDO:0013372, OMIM 613695.

Submission:

Roden Lab, Vanderbilt University Medical Center
No classification provided (evidence only). Condition: Long QT syndrome 5. Review status: no classification provided. Collection method: in vitro. Allele origin: not applicable. Functional consequence: Effect on ion channel function.
ClinVar note: "not provided" was previously submitted as the classification for the variant. However, the classification appeared to be based only on an observation of functional data so it was converted to no classification on 2025-07-30.

NM_000219.6(KCNE1):c.365T>C (p.Leu122Pro)

Gene: KCNE1 (potassium voltage-gated channel subfamily E regulatory subunit 1; minus strand). Cytogenetic location: 21q22.12.
Variant type: single nucleotide variant.
Coding change: c.365T>C on transcript NM_000219.6 (MANE Select); coding-DNA position 365, T replaced by C.
Protein change: p.Leu122Pro; replaces leucine 122 with proline.
Molecular consequence: missense variant.
Genome position (GRCh38, 1-based): chr21:34,449,270, A>G on the plus strand (T>C on the coding strand, the complement: KCNE1 is on the minus strand). VCF-style: chr21-34449270-A-G. GRCh37 (hg19) VCF-style: chr21-35821568-A-G.
Other names: c.365T>C, p.Leu122Pro (NM_001127668.4, NM_001127669.4, NM_001127670.4 and 4 more transcripts); short protein forms L122P.
Identifiers: ClinVar variation 3373827 (VCV003373827.2).